The following is an entry in ClinVar:

ClinVar aggregate classification (germline): Pathogenic (1 of 4 stars; one submission).

Conditions:
Isolated microphthalmia 2. Identifiers: Orphanet 2542, MedGen C1864720, MONDO:0012409, OMIM 610093.

Submission:

Labcorp Genetics (formerly Invitae), Labcorp
Classification: Pathogenic for Isolated microphthalmia 2. Last evaluated: 2023-05-17. Review status: criteria provided, single submitter. Criteria: Invitae Variant Classification Sherloc (09022015). Collection method: clinical testing. Allele origin: unknown.
Comment: For these reasons, this variant has been classified as Pathogenic. This variant has not been reported in the literature in individuals affected with VSX2-related conditions. This variant results in the deletion of part of exon 1 (c.-3107_13delinsACCTCAGCT) of the VSX2 gene. It is expected to result in an absent or disrupted protein product. Loss-of-function variants in VSX2 are known to be pathogenic (PMID: 20414678).

Literature cited by the submitters: PubMed 20414678.

NC_000014.8:g.(?_74703158)_(74706277_?)del

Gene: VSX2 (visual system homeobox 2; plus strand). Cytogenetic location: 14q24.3.
Variant type: Deletion.
Identifiers: ClinVar variation 3244002 (VCV003244002.1).